The following is an entry in ClinVar:

ClinVar aggregate classification (germline): Uncertain significance (1 of 4 stars; one submission).

Conditions:
MPI-congenital disorder of glycosylation. Also called: PROTEIN-LOSING ENTEROPATHY-HEPATIC FIBROSIS SYNDROME; MPI-CDG; MPI DEFICIENCY; MANNOSEPHOSPHATE ISOMERASE DEFICIENCY; CONGENITAL DISORDER OF GLYCOSYLATION, TYPE Ib; CDG Ib. Identifiers: Orphanet 79319, MedGen C1865145, MONDO:0011257, OMIM 602579.

Submission:

Labcorp Genetics (formerly Invitae), Labcorp
Classification: Uncertain significance for MPI-congenital disorder of glycosylation. Last evaluated: 2025-06-09. Review status: criteria provided, single submitter. Criteria: Invitae Variant Classification Sherloc (09022015). Collection method: clinical testing. Allele origin: germline.
Comment: This sequence change replaces valine, which is neutral and non-polar, with glutamic acid, which is acidic and polar, at codon 305 of the MPI protein (p.Val305Glu). This variant is not present in population databases (gnomAD no frequency). This variant has not been reported in the literature in individuals affected with MPI-related conditions. ClinVar contains an entry for this variant (Variation ID: 2864564). Invitae Evidence Modeling of protein sequence and biophysical properties (such as structural, functional, and spatial information, amino acid conservation, physicochemical variation, residue mobility, and thermodynamic stability) indicates that this missense variant is expected to disrupt MPI protein function with a positive predictive value of 80%. In summary, the available evidence is currently insufficient to determine the role of this variant in disease. Therefore, it has been classified as a Variant of Uncertain Significance.

NM_002435.3(MPI):c.914T>A (p.Val305Glu)

Gene: MPI (mannose phosphate isomerase; plus strand). Cytogenetic location: 15q24.1.
Variant type: single nucleotide variant.
Coding change: c.914T>A on transcript NM_002435.3 (MANE Select); coding-DNA position 914, T replaced by A.
Protein change: p.Val305Glu; replaces valine 305 with glutamic acid.
Molecular consequence: missense variant. On other transcripts: intron variant (1).
Genome position (GRCh38, 1-based): chr15:74,897,080, T>A. VCF-style: chr15-74897080-T-A. GRCh37 (hg19) VCF-style: chr15-75189421-T-A.
Other names: c.764T>A, p.Val255Glu (NM_001289156.2); c.731T>A, p.Val244Glu (NM_001289157.2); c.854T>A, p.Val285Glu (NM_001330372.2); c.845-432T>A (NM_001289155.2); short protein forms V285E, V255E, V305E, V244E.
Identifiers: ClinVar variation 2864564 (VCV002864564.3), dbSNP rs2505828957, ClinGen allele CA393177465.